The following is an entry in ClinVar:

ClinVar aggregate classification (germline): Conflicting classifications of pathogenicity. Review status: criteria provided, conflicting classifications (1 of 4 stars). 5 submissions from 5 submitters: Pathogenic (1); Likely pathogenic (2); Uncertain significance (1). 1 of the submissions does not count toward it. Last evaluated 2023-10-02.

Conditions:
11q partial monosomy syndrome (JBS). Also called: CHROMOSOME 11q DELETION SYNDROME; Jacobsen Distal 11q Deletion Syndrome. Identifiers: Orphanet 2308, MedGen C0795841, MONDO:0007838, OMIM 147791.
Bleeding disorder, platelet-type, 21 (BDPLT21). Identifiers: MedGen C4479515, MONDO:0054577, OMIM 617443.

Submissions (5):

Mayo Clinic Laboratories, Mayo Clinic
Classification: Pathogenic. Last evaluated: 2023-10-02. Review status: criteria provided, single submitter. Criteria: ACMG Guidelines, 2015. Collection method: clinical testing. Allele origin: germline. Observed: 1 variant allele.
Comment: PP3, PM1, PM2_moderate, PS3, PS4_moderate

Labcorp Genetics (formerly Invitae), Labcorp
Classification: Uncertain significance. Last evaluated: 2023-03-07. Review status: criteria provided, single submitter. Criteria: Invitae Variant Classification Sherloc (09022015). Collection method: clinical testing. Allele origin: germline.
Comment: Advanced modeling of protein sequence and biophysical properties (such as structural, functional, and spatial information, amino acid conservation, physicochemical variation, residue mobility, and thermodynamic stability) performed at Invitae indicates that this missense variant is expected to disrupt FLI1 protein function. In summary, the available evidence is currently insufficient to determine the role of this variant in disease. Therefore, it has been classified as a Variant of Uncertain Significance. ClinVar contains an entry for this variant (Variation ID: 424635). This missense change has been observed in individual(s) with clinical features of FLI1-related conditions (PMID: 28255014, 31064749). This variant is not present in population databases (gnomAD no frequency). This sequence change replaces arginine, which is basic and polar, with glutamine, which is neutral and polar, at codon 337 of the FLI1 protein (p.Arg337Gln).

Genetic Services Laboratory, University of Chicago
Classification: Likely pathogenic. Last evaluated: 2020-01-14. Review status: criteria provided, single submitter. Criteria: ACMG Guidelines, 2015. Collection method: clinical testing. Allele origin: germline. Affected: yes.
Comment: DNA sequence analysis of the FLI1 gene demonstrated a sequence change, c.1010G>A, in exon 9 that results in an amino acid change, p.Arg337Gln. This sequence change has not been described in population databases (gnomAD, ExAC). The p.Arg337Gln change has been reported in the heterozygous state in a family with macrothrombocytopenia. Functional analysis of this sequence change demonstrated a significant reduction in transcriptional activity (PMID: 28255014). The p.Arg337Gln change affects a highly conserved amino acid residue located in a domain of the FLI1 protein that is known to be functional. The p.Arg337Gln substitution appears to be deleterious using several in-silico pathogenicity prediction tools (SIFT, PolyPhen2, Align GVGD, REVEL).

NIHR Bioresource Rare Diseases, University of Cambridge
Classification: Likely pathogenic for 11q partial monosomy syndrome. Last evaluated: 2019-02-01. Review status: criteria provided, single submitter. Criteria: ACMG Guidelines, 2015. Collection method: research. Allele origin: unknown. Affected: yes. Observed: 1 heterozygote. Study: ThromboGenomics.

OMIM
Classification: Pathogenic for BLEEDING DISORDER, PLATELET-TYPE, 21. Last evaluated: 2017-04-25. Review status: no assertion criteria provided. Collection method: literature only. Allele origin: germline. Not counted in ClinVar's aggregate classification.

Literature cited by the submitters: PubMed 15798196 (cited by Mayo Clinic Laboratories, Mayo Clinic); PubMed 24100448 (cited by Mayo Clinic Laboratories, Mayo Clinic); PubMed 28255014 (cited by 3 submitters); PubMed 31064749 (cited by 3 submitters).

NM_002017.5(FLI1):c.1010G>A (p.Arg337Gln)

Gene: FLI1 (Fli-1 proto-oncogene, ETS transcription factor; plus strand). Cytogenetic location: 11q24.3.
Variant type: single nucleotide variant.
Coding change: c.1010G>A on transcript NM_002017.5 (MANE Select); coding-DNA position 1010, G replaced by A.
Protein change: p.Arg337Gln; replaces arginine 337 with glutamine.
Molecular consequence: missense variant.
Genome position (GRCh38, 1-based): chr11:128,810,639, G>A. VCF-style: chr11-128810639-G-A. GRCh37 (hg19) VCF-style: chr11-128680534-G-A.
Other names: p.Arg337Gln; c.431G>A, p.Arg144Gln (NM_001271012.2); c.911G>A, p.Arg304Gln (NM_001167681.3); c.812G>A, p.Arg271Gln (NM_001271010.2); short protein forms R337Q, R144Q, R271Q, R304Q.
Identifiers: ClinVar variation 424635 (VCV000424635.12), dbSNP rs1064797086, ClinGen allele CA16621536.
Genomic context (GRCh38, chr11:128,810,639, plus strand): 5'-TGGCCAGGCGCTGGGGCGAGCGGAAAAGCAAGCCCAACATGAATTACGACAAGCTGAGCC[G>A]GGCCCTCCGTTATTACTATGATAAAAACATTATGACCAAAGTGCACGGCAAAAGATATGC-3'
Protein context (NP_002008.2, residues 327-347): KPNMNYDKLS[Arg337Gln]ALRYYYDKNI